The following is an entry in ClinVar:

ClinVar aggregate classification (germline): Pathogenic (1 of 4 stars; one submission).

Conditions:
Neuromuscular disease caused by qualitative or quantitative defects of dystrophin. Also called: Qualitative or quantitative defects of dystrophin. Identifiers: Orphanet 207085, MedGen C5679787, MONDO:0016147.

Submission:

Women's Health and Genetics/Laboratory Corporation of America, LabCorp
Classification: Pathogenic for Neuromuscular disease caused by qualitative or quantitative defects of dystrophin. Last evaluated: 2023-11-20. Review status: criteria provided, single submitter. Criteria: LabCorp Variant Classification Summary - May 2015. Collection method: clinical testing. Allele origin: germline.
Comment: Variant summary: The variant involves the duplication of exon 22 in the DMD gene. A presumed nomenclature of c.(2803+1_2804-1)_(2949+1_2950-1)dup has been designated for the purposes of this classification. This Copy Number Variant (CNV) is expected to alter the reading frame and predicted to result in a truncation (p.Ala984Phefs*14 in DOVE database) or absence of the encoded protein due to nonsense mediated decay (NMD). The variant was absent in 16120 control chromosomes (gnomAD, Structural Variants dataset). c.(2803+1_2804-1)_(2949+1_2950-1)dup has been reported in the literature in multiple individuals affected with Dystrophinopathies (Flanigan_2009, Aartsma-Rus_2009). These data indicate that the variant is very likely to be associated with disease. To our knowledge, no experimental evidence demonstrating an impact on protein function has been reported. The following publications have been ascertained in the context of this evaluation (PMID: 19937601, 19156838). No submitters have cited clinical-significance assessments for this variant to ClinVar after 2014. Based on the evidence outlined above, the variant was classified as pathogenic.

Literature cited by the submitters: PubMed 19937601; PubMed 19156838.

NC_000023.10:g.(32486828_32490280)_(32490427_32503035)dup

Gene: DMD (dystrophin; minus strand). Cytogenetic location: Xp21.1.
Variant type: Duplication.
Identifiers: ClinVar variation 2682187 (VCV002682187.1).